The following is an entry in ClinVar:

ClinVar aggregate classification (germline): Uncertain significance (1 of 4 stars; one submission).

Conditions:
Agammaglobulinemia 3, autosomal recessive (AGM3). Also called: AGAMMAGLOBULINEMIA 3; AGAMMAGLOBULINEMIA, AUTOSOMAL RECESSIVE, DUE TO CD79A DEFECT. Identifiers: MedGen C3150751, MONDO:0013288, OMIM 613501.

Allele frequency attached by ClinVar (database versions not stated): TOPMed 0.00002.
gnomAD v4.1: 12 of 1,613,344 alleles (0.00074%); highest among the groups gnomAD compares: Non-Finnish European, 0.001%; no homozygotes.

Submission:

Labcorp Genetics (formerly Invitae), Labcorp
Classification: Uncertain significance for Agammaglobulinemia 3, autosomal recessive. Last evaluated: 2024-07-31. Review status: criteria provided, single submitter. Criteria: Invitae Variant Classification Sherloc (09022015). Collection method: clinical testing. Allele origin: germline.
Comment: This sequence change replaces methionine, which is neutral and non-polar, with lysine, which is basic and polar, at codon 43 of the CD79A protein (p.Met43Lys). This variant is present in population databases (rs782421590, gnomAD 0.002%). This variant has not been reported in the literature in individuals affected with CD79A-related conditions. ClinVar contains an entry for this variant (Variation ID: 1036112). An algorithm developed to predict the effect of missense changes on protein structure and function (PolyPhen-2) suggests that this variant¬†is likely to be tolerated. In summary, the available evidence is currently insufficient to determine the role of this variant in disease. Therefore, it has been classified as a Variant of Uncertain Significance.

NM_001783.4(CD79A):c.128T>A (p.Met43Lys)

Genes: CD79A (CD79a molecule; plus strand), RPS19-CD79A (RPS19-CD79A readthrough; plus strand). Cytogenetic location: 19q13.2.
Variant type: single nucleotide variant.
Coding change: c.128T>A on transcript NM_001783.4 (MANE Select); coding-DNA position 128, T replaced by A.
Protein change: p.Met43Lys; replaces methionine 43 with lysine.
Molecular consequence: missense variant.
Genome position (GRCh38, 1-based): chr19:41,879,038, T>A. VCF-style: chr19-41879038-T-A. GRCh37 (hg19) VCF-style: chr19-42383108-T-A.
Other names: c.128T>A, p.Met43Lys (NM_021601.4); short protein forms M43K.
Identifiers: ClinVar variation 1036112 (VCV001036112.7), dbSNP rs782421590, ClinGen allele CA9465520.
Genomic context (GRCh38, chr19:41,879,038, plus strand): 5'-GTCTCTCCACAGGCCCTGGGTGCCAGGCCCTGTGGATGCACAAGGTCCCAGCATCATTGA[T>A]GGTGAGCCTGGGGGAAGACGCCCACTTCCAATGCCCGCACAATAGCAGCAACAACGCCAA-3'
Protein context (NP_001774.1, residues 33-53): LWMHKVPASL[Met43Lys]VSLGEDAHFQ